The following is an entry in ClinVar:

ClinVar aggregate classification (germline): Uncertain significance (1 of 4 stars; one submission).

Conditions:
Hereditary cancer-predisposing syndrome. Also called: Neoplastic Syndromes, Hereditary; Tumor predisposition; Hereditary Cancer Syndrome; Hereditary neoplastic syndrome. Identifiers: Orphanet 140162, MedGen C0027672, MeSH D009386, MONDO:0015356.

Submission:

Ambry Genetics
Classification: Uncertain significance for Hereditary cancer-predisposing syndrome. Last evaluated: 2021-11-24. Review status: criteria provided, single submitter. Criteria: Ambry Variant Classification Scheme 2023. Collection method: clinical testing. Allele origin: germline.
Comment: The p.I774M variant (also known as c.2322C>G), located in coding exon 20 of the TSC2 gene, results from a C to G substitution at nucleotide position 2322. The isoleucine at codon 774 is replaced by methionine, an amino acid with highly similar properties. This amino acid position is not well conserved in available vertebrate species. In addition, the in silico prediction for this alteration is inconclusive. Since supporting evidence is limited at this time, the clinical significance of this alteration remains unclear.

NM_000548.5(TSC2):c.2322C>G (p.Ile774Met)

Gene: TSC2 (TSC complex subunit 2; plus strand). Cytogenetic location: 16p13.3.
Variant type: single nucleotide variant.
Coding change: c.2322C>G on transcript NM_000548.5 (MANE Select); coding-DNA position 2322, C replaced by G.
Protein change: p.Ile774Met; replaces isoleucine 774 with methionine.
Molecular consequence: missense variant.
Genome position (GRCh38, 1-based): chr16:2,072,950, C>G. VCF-style: chr16-2072950-C-G. GRCh37 (hg19) VCF-style: chr16-2122951-C-G.
Other names: c.2322C>G, p.Ile774Met (NM_001077183.3, NM_001114382.3, NM_001363528.2 and 3 more transcripts); c.2211C>G, p.Ile737Met (NM_001318827.2); c.2175C>G, p.Ile725Met (NM_001318829.2); c.1722C>G, p.Ile574Met (NM_001318831.2); c.2355C>G, p.Ile785Met (NM_001318832.2); short protein forms I737M, I574M, I774M, I725M, I785M.
Identifiers: ClinVar variation 821098 (VCV000821098.4), dbSNP rs760885994, ClinGen allele CA394276645.
Genomic context (GRCh38, chr16:2,072,950, plus strand): 5'-AGAAGGCTTCTCCAGAACTGACTTGCACCTGGCCGTGGTTCCAGTGCTGACAGCATTAAT[C>G]TCTTACCATAACTACCTGGACAAAACCAAACAGGTAGGAGGTCAGAGCAGGACAGGCGAG-3'
Protein context (NP_000539.2, residues 764-784): LAVVPVLTAL[Ile774Met]SYHNYLDKTK